The following is an entry in ClinVar:

NM_000321.3(RB1):c.540-17_540-14del

Gene: RB1 (RB transcriptional corepressor 1; plus strand). Cytogenetic location: 13q14.2.
Variant type: Deletion.
Coding change: c.540-17_540-14del on transcript NM_000321.3 (MANE Select); 17 bases into the intron before coding-DNA position 540 through 14 bases into the intron before coding-DNA position 540, 4 bases deleted (TTCT; older notation c.540-17_540-14delTTCT).
Molecular consequence: intron variant.
Genome position (GRCh38, 1-based): chr13:48,348,939-48,348,942, TTCT deleted; deleting any 4 consecutive bases within chr13:48,348,937-48,348,942 gives the same sequence; the c. name uses the placement nearest the transcript's 3' end. VCF-style (leftmost placement, unchanged base first): chr13-48348936-GCTTT-G. GRCh37 (hg19) VCF-style: chr13-48923072-GCTTT-G.
Identifiers: ClinVar variation 1598358 (VCV001598358.9), dbSNP rs770994222, ClinGen allele CA249269340.

ClinVar aggregate classification (germline): Likely benign. Review status: criteria provided, multiple submitters, no conflicts (2 of 4 stars). 2 submissions from 2 submitters: Likely benign (2). Last evaluated 2026-06-18.

Conditions:
Retinoblastoma (RB1). Also called: RETINOBLASTOMA, SOMATIC. Identifiers: Orphanet 790, MedGen C0035335, MeSH D012175, MONDO:0008380, OMIM 180200, HP:0009919. Disease mechanism: loss of function. Inheritance: Both sporadic and heritable forms are tested..

Submissions (2):

Myriad Genetics, Inc.
Classification: Likely benign for Retinoblastoma. Last evaluated: 2026-06-18. Review status: criteria provided, single submitter. Criteria: Myriad Autosomal Dominant, Autosomal Recessive and X-Linked Classification Criteria (2023). Collection method: clinical testing. Allele origin: unknown.
Comment: This variant is considered likely benign. This variant is intronic and is not expected to impact mRNA splicing.

Labcorp Genetics (formerly Invitae), Labcorp
Classification: Likely benign for Retinoblastoma. Last evaluated: 2025-01-13. Review status: criteria provided, single submitter. Criteria: Invitae Variant Classification Sherloc (09022015). Collection method: clinical testing. Allele origin: germline.